The following is an entry in ClinVar:

ClinVar aggregate classification (germline): Uncertain significance (1 of 4 stars; one submission).

Submission:

GeneDx
Classification: Uncertain significance. Last evaluated: 2026-03-03. Review status: criteria provided, single submitter. Criteria: GeneDx Variant Classification Process June 2021. Collection method: clinical testing. Allele origin: germline.
Comment: Not observed at significant frequency in large population cohorts (gnomAD); Missense variants in this gene are a common cause of disease and they are underrepresented in the general population; In silico analysis supports that this missense variant has a deleterious effect on protein structure/function; Has not been previously published as pathogenic or benign to our knowledge

NM_003289.4(TPM2):c.437T>G (p.Met146Arg)

Gene: TPM2 (tropomyosin 2; minus strand). Cytogenetic location: 9p13.3.
Variant type: single nucleotide variant.
Coding change: c.437T>G on transcript NM_003289.4 (MANE Select); coding-DNA position 437, T replaced by G.
Protein change: p.Met146Arg; replaces methionine 146 with arginine.
Molecular consequence: missense variant.
Genome position (GRCh38, 1-based): chr9:35,685,489, A>C on the plus strand (T>G on the coding strand, the complement: TPM2 is on the minus strand). VCF-style: chr9-35685489-A-C. GRCh37 (hg19) VCF-style: chr9-35685486-A-C.
Other names: c.437T>G, p.Met146Arg (NM_001301226.2, NM_001301227.2, NM_213674.1); short protein forms M146R.
Identifiers: ClinVar variation 5008263 (VCV005008263.1).